The following is an entry in ClinVar:

ClinVar aggregate classification (germline): Uncertain significance (1 of 4 stars; one submission).

Conditions:
Early-infantile DEE. Also called: Ohtahara syndrome; Early infantile epileptic encephalopathy with suppression bursts; Early infantile epileptic encephalopathy. Identifiers: Orphanet 1934, MedGen C0393706, MONDO:0800491.

Submission:

Labcorp Genetics (formerly Invitae), Labcorp
Classification: Uncertain significance for Early-infantile DEE. Last evaluated: 2020-01-30. Review status: criteria provided, single submitter. Criteria: Invitae Variant Classification Sherloc (09022015). Collection method: clinical testing. Allele origin: germline.
Comment: This variant has not been reported in the literature in individuals with ARHGEF15-related conditions. This variant is not present in population databases (ExAC no frequency). This sequence change replaces serine with tyrosine at codon 268 of the ARHGEF15 protein (p.Ser268Tyr). The serine residue is highly conserved and there is a large physicochemical difference between serine and tyrosine. Algorithms developed to predict the effect of missense changes on protein structure and function are either unavailable or do not agree on the potential impact of this missense change (SIFT: "Deleterious"; PolyPhen-2: "Benign"; Align-GVGD: "Class C65"). In summary, the available evidence is currently insufficient to determine the role of this variant in disease. Therefore, it has been classified as a Variant of Uncertain Significance.

NM_173728.4(ARHGEF15):c.803C>A (p.Ser268Tyr)

Gene: ARHGEF15 (Rho guanine nucleotide exchange factor 15; plus strand). Cytogenetic location: 17p13.1.
Variant type: single nucleotide variant.
Coding change: c.803C>A on transcript NM_173728.4 (MANE Select); coding-DNA position 803, C replaced by A.
Protein change: p.Ser268Tyr; replaces serine 268 with tyrosine.
Molecular consequence: missense variant.
Genome position (GRCh38, 1-based): chr17:8,313,123, C>A. VCF-style: chr17-8313123-C-A. GRCh37 (hg19) VCF-style: chr17-8216441-C-A.
Other names: c.803C>A, p.Ser268Tyr (NM_025014.2); short protein forms S268Y.
Identifiers: ClinVar variation 1044567 (VCV001044567.10), dbSNP rs1904769204, ClinGen allele CA398016279.